The following is an entry in ClinVar:

NM_031480.3(RIOK1):c.115C>T (p.Leu39=)

Gene: RIOK1 (RIO kinase 1; plus strand). Cytogenetic location: 6p24.3.
Variant type: single nucleotide variant.
Coding change: c.115C>T on transcript NM_031480.3 (MANE Select); coding-DNA position 115, C replaced by T.
Protein change: p.Leu39=; no amino-acid change (leucine 39 retained).
Molecular consequence: synonymous variant. On other transcripts: 5 prime UTR variant (1).
Genome position (GRCh38, 1-based): chr6:7,393,142, C>T. VCF-style: chr6-7393142-C-T. GRCh37 (hg19) VCF-style: chr6-7393375-C-T.
Other names: c.-230C>T (NM_001348194.2).
Identifiers: ClinVar variation 2656207 (VCV002656207.24), dbSNP rs2533570335, ClinGen allele CA448509669.

ClinVar aggregate classification (germline): Likely benign (1 of 4 stars; one submission).

Submission:

CeGaT Center for Human Genetics Tuebingen
Classification: Likely benign. Last evaluated: 2022-05-01. Review status: criteria provided, single submitter. Criteria: CeGaT Center For Human Genetics Tuebingen Variant Classification Criteria Version 2. Collection method: clinical testing. Allele origin: germline. Affected: yes. Observed: 1 variant allele.
Comment: RIOK1: PM2:Supporting, BP4, BP7